The following is an entry in ClinVar:

ClinVar aggregate classification (germline): Pathogenic. Review status: criteria provided, multiple submitters, no conflicts (2 of 4 stars). 5 submissions from 5 submitters: Pathogenic (5). Last evaluated 2025-05-01.

Conditions:
Polycystic kidney disease, adult type (PKD1). Also called: Polycystic Kidney Disease 1, Autosomal Dominant; Polycystic kidney disease 1; Polycystic kidney disease 1, severe; POLYCYSTIC KIDNEY DISEASE 1 WITH OR WITHOUT POLYCYSTIC LIVER DISEASE; Polycystic Kidney, Autosomal Dominant; POLYCYSTIC KIDNEY DISEASE, ADULT, TYPE I. Identifiers: MedGen C3149841, MONDO:0008263, OMIM 173900.

Submissions (5):

Women's Health and Genetics/Laboratory Corporation of America, LabCorp
Classification: Pathogenic for Polycystic kidney disease, adult type. Last evaluated: 2025-05-01. Review status: criteria provided, single submitter. Criteria: LabCorp Variant Classification Summary - May 2015. Collection method: clinical testing. Allele origin: germline.
Comment: Variant summary: PKD1 c.8972dupA (p.Tyr2991X) results in a premature termination codon, predicted to cause a truncation of the encoded protein or absence of the protein due to nonsense mediated decay, which are commonly known mechanisms for disease. The variant was absent in 247244 control chromosomes. c.8972dupA has been observed in individual(s) affected with Polycystic Kidney Disease 1 (Audrezet_2012). These data indicate that the variant may be associated with disease. To our knowledge, no experimental evidence demonstrating an impact on protein function has been reported. The following publication have been ascertained in the context of this evaluation (PMID: 22508176). ClinVar contains an entry for this variant (Variation ID: 586305). Based on the evidence outlined above, the variant was classified as pathogenic.

Victorian Clinical Genetics Services, Murdoch Childrens Research Institute
Classification: Pathogenic for Polycystic kidney disease, adult type. Last evaluated: 2024-10-09. Review status: criteria provided, single submitter. Criteria: ACMG Guidelines, 2015. Collection method: clinical testing. Allele origin: germline. Inheritance: Autosomal dominant inheritance. Affected: yes.
Comment: Based on the classification scheme VCGS_Germline_v1.3.4, this variant is classified as Pathogenic. Following criteria are met: 0102 - Loss of function is a known mechanism of disease in this gene and is associated with polycystic kidney disease 1 (MIM#173900). (I) 0107 - This gene is associated with autosomal dominant disease. Polycystic kidney disease 1 (MIM#173900) is predominantly caused by monoallelic variants, with rare reports of biallelic variants causing disease (OMIM). (I) 0201 - Variant is predicted to cause nonsense-mediated decay (NMD) and loss of protein (premature termination codon is located at least 54 nucleotides upstream of the final exon-exon junction). (SP) 0251 - This variant is heterozygous. (I) 0301 - Variant is absent from gnomAD (both v2 and v3). (SP) 0701 - Many other NMD-predicted variants comparable to the one identified in this case have very strong previous evidence for pathogenicity (DECIPHER). (SP) 0801 - This variant has strong previous evidence of pathogenicity in unrelated individuals. This variant has been classified as pathogenic by multiple clinical laboratories in ClinVar and has been observed in unrelated heterozygous individuals with ADPKD (PMID: 22508176, 23300259). (SP) 1208 - Inheritance information for this variant is not currently available in this individual. (I) Legend: (SP) - Supporting pathogenic, (I) - Information, (SB) - Supporting benign

GeneDx
Classification: Pathogenic. Last evaluated: 2022-11-22. Review status: criteria provided, single submitter. Criteria: GeneDx Variant Classification Process June 2021. Collection method: clinical testing. Allele origin: germline. Affected: yes.
Comment: Nonsense variant predicted to result in protein truncation or nonsense mediated decay in a gene for which loss of function is a known mechanism of disease; Not observed at significant frequency in large population cohorts (gnomAD); This variant is associated with the following publications: (PMID: 22508176)

Fulgent Genetics
Classification: Pathogenic for Polycystic kidney disease, adult type. Last evaluated: 2022-01-18. Review status: criteria provided, single submitter. Criteria: ACMG Guidelines, 2015. Collection method: clinical testing. Allele origin: unknown.

Athena Diagnostics
Classification: Pathogenic. Last evaluated: 2018-07-11. Review status: criteria provided, single submitter. Criteria: Athena Diagnostics Criteria. Collection method: clinical testing. Allele origin: germline.

Literature cited by the submitters: PubMed 22508176 (cited by 3 submitters); PubMed 23300259 (cited by Victorian Clinical Genetics Services, Murdoch Childrens Research Institute).

NM_001009944.3(PKD1):c.8972dup (p.Tyr2991Ter)

Gene: PKD1 (polycystin 1, transient receptor potential channel interacting; minus strand). Cytogenetic location: 16p13.3.
Variant type: Duplication.
Coding change: c.8972dup on transcript NM_001009944.3 (MANE Select); coding-DNA position 8972, one base duplicated (A; older notation c.8972dupA).
Protein change: p.Tyr2991Ter; replaces tyrosine 2991 with a stop codon.
Molecular consequence: nonsense.
Genome position (GRCh38, 1-based): chr16:2,102,610, T duplicated on the plus strand (A on the coding strand, the reverse complement: PKD1 is on the minus strand). VCF-style (leftmost placement, unchanged base first): chr16-2102609-G-GT. GRCh37 (hg19) VCF-style: chr16-2152610-G-GT.
Other names: c.8972dup, p.Tyr2991Ter (NM_000296.4); c.8972dup (NM_001009944.2); c.8972dupA (NM_001009944.2, NM_001009944.3); short protein forms Y2991*.
Identifiers: ClinVar variation 586305 (VCV000586305.5), dbSNP rs1567174997, ClinGen allele CA891843792.